The following is an entry in ClinVar:

NM_001195263.2(PDZD7):c.23G>A (p.Gly8Asp)

Gene: PDZD7 (PDZ domain containing 7; minus strand). Cytogenetic location: 10q24.31.
Variant type: single nucleotide variant.
Coding change: c.23G>A on transcript NM_001195263.2 (MANE Select); coding-DNA position 23, G replaced by A.
Protein change: p.Gly8Asp; replaces glycine 8 with aspartic acid.
Molecular consequence: missense variant.
Genome position (GRCh38, 1-based): chr10:101,030,197, C>T on the plus strand (G>A on the coding strand, the complement: PDZD7 is on the minus strand). VCF-style: chr10-101030197-C-T. GRCh37 (hg19) VCF-style: chr10-102789954-C-T.
Other names: c.23G>A, p.Gly8Asp (NM_001351044.2, NM_024895.5); short protein forms G8D.
Identifiers: ClinVar variation 1999405 (VCV001999405.9), dbSNP rs1361496122, ClinGen allele CA378231535.

ClinVar aggregate classification (germline): Uncertain significance. Review status: criteria provided, multiple submitters, no conflicts (2 of 4 stars). 2 submissions from 2 submitters: Uncertain significance (2). Last evaluated 2025-12-01.

Allele frequency attached by ClinVar (database versions not stated): gnomAD exomes below 0.00001.
gnomAD v4.1: 2 of 1,611,574 alleles (0.00012%); highest among the groups gnomAD compares: Non-Finnish European, 0.000085%; no homozygotes.

Submissions (2):

CeGaT Center for Human Genetics Tuebingen
Classification: Uncertain significance. Last evaluated: 2025-12-01. Review status: criteria provided, single submitter. Criteria: CeGaT Center For Human Genetics Tuebingen Variant Classification Criteria Version 2. Collection method: clinical testing. Allele origin: germline. Affected: yes. Observed: 1 variant allele.
Comment: PDZD7: PM2

Labcorp Genetics (formerly Invitae), Labcorp
Classification: Uncertain significance. Last evaluated: 2022-08-20. Review status: criteria provided, single submitter. Criteria: Invitae Variant Classification Sherloc (09022015). Collection method: clinical testing. Allele origin: germline.
Comment: Algorithms developed to predict the effect of sequence changes on RNA splicing suggest that this variant may create or strengthen a splice site. Algorithms developed to predict the effect of missense changes on protein structure and function are either unavailable or do not agree on the potential impact of this missense change (SIFT: "Deleterious"; PolyPhen-2: "Not Available"; Align-GVGD: "Class C0"). This variant has not been reported in the literature in individuals affected with PDZD7-related conditions. This variant is not present in population databases (gnomAD no frequency). This sequence change replaces glycine, which is neutral and non-polar, with aspartic acid, which is acidic and polar, at codon 8 of the PDZD7 protein (p.Gly8Asp). In summary, the available evidence is currently insufficient to determine the role of this variant in disease. Therefore, it has been classified as a Variant of Uncertain Significance.